The following is an entry in ClinVar:

NM_002292.4(LAMB2):c.3560G>A (p.Cys1187Tyr)

Gene: LAMB2 (laminin subunit beta 2; minus strand). Cytogenetic location: 3p21.31.
Variant type: single nucleotide variant.
Coding change: c.3560G>A on transcript NM_002292.4 (MANE Select); coding-DNA position 3560, G replaced by A.
Protein change: p.Cys1187Tyr; replaces cysteine 1187 with tyrosine.
Molecular consequence: missense variant.
Genome position (GRCh38, 1-based): chr3:49,123,965, C>T on the plus strand (G>A on the coding strand, the complement: LAMB2 is on the minus strand). VCF-style: chr3-49123965-C-T. GRCh37 (hg19) VCF-style: chr3-49161398-C-T.
Other names: short protein forms C1187Y.
Identifiers: ClinVar variation 846560 (VCV000846560.7), dbSNP rs760892618, ClinGen allele CA2394014.

ClinVar aggregate classification (germline): Uncertain significance (1 of 4 stars; one submission).

Conditions:
LAMB2-related infantile-onset nephrotic syndrome. Also called: NEPHROTIC SYNDROME, TYPE 5, WITHOUT OCULAR ABNORMALITIES; NEPHROTIC SYNDROME, TYPE 5, WITH OCULAR ABNORMALITIES; Nephrotic Syndrome, type 5. Identifiers: Orphanet 306507, MedGen C3280113, MONDO:0013621, OMIM 614199.
Pierson syndrome. Also called: MICROCORIA-CONGENITAL NEPHROTIC SYNDROME. Identifiers: Orphanet 2670, MedGen C1836876, MONDO:0012184, OMIM 609049.

Allele frequency attached by ClinVar (database versions not stated): gnomAD exomes below 0.00001; ExAC 0.00001.

Submission:

Labcorp Genetics (formerly Invitae), Labcorp
Classification: Uncertain significance for LAMB2-related infantile-onset nephrotic syndrome; Pierson syndrome. Last evaluated: 2022-06-04. Review status: criteria provided, single submitter. Criteria: Invitae Variant Classification Sherloc (09022015). Collection method: clinical testing. Allele origin: germline.
Comment: This sequence change replaces cysteine, which is neutral and slightly polar, with tyrosine, which is neutral and polar, at codon 1187 of the LAMB2 protein (p.Cys1187Tyr). This variant is present in population databases (rs760892618, gnomAD 0.003%). In summary, the available evidence is currently insufficient to determine the role of this variant in disease. Therefore, it has been classified as a Variant of Uncertain Significance. Algorithms developed to predict the effect of missense changes on protein structure and function (SIFT, PolyPhen-2, Align-GVGD) all suggest that this variant is likely to be disruptive. ClinVar contains an entry for this variant (Variation ID: 846560). This variant has not been reported in the literature in individuals affected with LAMB2-related conditions.